The following is an entry in ClinVar:

NM_020458.4(TTC7A):c.895T>A (p.Cys299Ser)

Gene: TTC7A (tetratricopeptide repeat domain 7A; plus strand). Cytogenetic location: 2p21.
Variant type: single nucleotide variant.
Coding change: c.895T>A on transcript NM_020458.4 (MANE Select); coding-DNA position 895, T replaced by A.
Protein change: p.Cys299Ser; replaces cysteine 299 with serine.
Molecular consequence: missense variant. On other transcripts: intron variant (1).
Genome position (GRCh38, 1-based): chr2:46,994,408, T>A. VCF-style: chr2-46994408-T-A. GRCh37 (hg19) VCF-style: chr2-47221547-T-A.
Other names: c.895T>A, p.Cys299Ser (NM_001288951.2); c.793T>A, p.Cys265Ser (NM_001288953.2); c.-61-728T>A (NM_001288955.2); short protein forms C265S, C299S.
Identifiers: ClinVar variation 992506 (VCV000992506.2), dbSNP rs1198449310, ClinGen allele CA346713401.

ClinVar aggregate classification (germline): Uncertain significance. Review status: criteria provided, single submitter (1 of 4 stars). 2 submissions from 1 submitter: Uncertain significance (2). Last evaluated 2021-03-30.

Conditions:
Gastrointestinal defects and immunodeficiency syndrome 1 (GIDID1). Also called: Combined immunodeficiency-enteropathy spectrum. Identifiers: Orphanet 436252, MedGen C5968858, MONDO:0800030, OMIM 243150.
Multiple gastrointestinal atresias. Also called: FAMILIAL INTESTINAL POLYATRESIA SYNDROME; Multiple intestinal atresia. Identifiers: Orphanet 2300, MedGen C0220744, MONDO:0009465.

Allele frequency attached by ClinVar (database versions not stated): gnomAD exomes below 0.00001 and 0.00001.
gnomAD v4.1: 5 of 1,613,526 alleles (0.00031%); highest among the groups gnomAD compares: Non-Finnish European, 0.00042%; no homozygotes.

Submissions (2):

Center for Genomics, Ann and Robert H. Lurie Children's Hospital of Chicago
Classification: Uncertain significance for Gastrointestinal defects and immunodeficiency syndrome 1. Last evaluated: 2021-03-30. Review status: criteria provided, single submitter. Criteria: ACMG Guidelines, 2015. Collection method: clinical testing. Allele origin: germline.
Comment: TTC7A NM_020458.3 exon 7 p.Cys299Ser (c.895T>A):This variant has not been reported in the literature but is present in 0.001% (2/113458) of European alleles in the Genome Aggregation Database. Evolutionary conservation suggests that this variant may impact the protein; computational predictive tools suggest that this variant may not impact the protein. In summary, data on this variant is insufficient for disease classification. Therefore, the clinical significance of this variant is uncertain.

Center for Genomics, Ann and Robert H. Lurie Children's Hospital of Chicago
Classification: Uncertain significance for Gastrointestinal defects and immunodeficiency syndrome 1. Last evaluated: 2020-06-30. Review status: criteria provided, single submitter. Criteria: ACMG Guidelines, 2015. Collection method: clinical testing. Allele origin: germline.
Comment: the same text as in the submission from Center for Genomics, Ann and Robert H. Lurie Children's Hospital of Chicago above.